The following is an entry in ClinVar:

NC_000004.12:g.(?_186076620)_(186210641_?)dup

Genes: CYP4V2 (cytochrome P450 family 4 subfamily V member 2; plus strand), FAM149A (family with sequence similarity 149 member A; plus strand), TLR3 (toll like receptor 3; plus strand). Cytogenetic location: 4q35.1-35.2.
Variant type: Duplication.
Identifiers: ClinVar variation 832546 (VCV000832546.3).

ClinVar aggregate classification (germline): Uncertain significance (1 of 4 stars; one submission).

Submission:

Labcorp Genetics (formerly Invitae), Labcorp
Classification: Uncertain significance. Last evaluated: 2022-10-17. Review status: criteria provided, single submitter. Criteria: Invitae Variant Classification Sherloc (09022015). Collection method: clinical testing. Allele origin: germline.
Comment: A copy number gain of the genomic region encompassing the full coding sequence of the CYP4V2 gene has been identified. The boundaries of this event are unknown as they extend beyond the assayed region for this gene and therefore may encompass additional genes. As the precise location of this event is unknown, it may be in tandem or it may be located elsewhere in the genome. A similar copy number variant has been observed in individual(s) with retinitis pigmentosa (Invitae). In summary, the available evidence is currently insufficient to determine the role of this variant in disease. Therefore, it has been classified as a Variant of Uncertain Significance.